The following is an entry in ClinVar:

ClinVar aggregate classification (germline): Uncertain significance. Review status: criteria provided, multiple submitters, no conflicts (2 of 4 stars). 2 submissions from 2 submitters: Uncertain significance (2). Last evaluated 2024-06-29.

Conditions:
Severe combined immunodeficiency due to DNA-PKcs deficiency. Also called: IMMUNODEFICIENCY 26 WITH NEUROLOGIC ABNORMALITIES; Immunodeficiency 26 with or without neurologic abnormalities. Identifiers: Orphanet 317425, MedGen C4014833, MONDO:0014423, OMIM 615966.

Allele frequency attached by ClinVar (database versions not stated): gnomAD exomes below 0.00001.
gnomAD v4.1: 1 of 1,613,764 alleles (0.000062%); highest among the groups gnomAD compares: Non-Finnish European, 0.000085%; no homozygotes.

Submissions (2):

Ambry Genetics
Classification: Uncertain significance. Last evaluated: 2024-06-29. Review status: criteria provided, single submitter. Criteria: Ambry Variant Classification Scheme 2023. Collection method: clinical testing. Allele origin: germline.
Comment: The p.P433L variant (also known as c.1298C>T), located in coding exon 13 of the PRKDC gene, results from a C to T substitution at nucleotide position 1298. The proline at codon 433 is replaced by leucine, an amino acid with similar properties. This amino acid position is conserved. In addition, this alteration is predicted to be tolerated by in silico analysis. Based on the available evidence, the clinical significance of this variant remains unclear.

Labcorp Genetics (formerly Invitae), Labcorp
Classification: Uncertain significance for Severe combined immunodeficiency due to DNA-PKcs deficiency. Last evaluated: 2020-08-14. Review status: criteria provided, single submitter. Criteria: Invitae Variant Classification Sherloc (09022015). Collection method: clinical testing. Allele origin: germline.
Comment: In summary, the available evidence is currently insufficient to determine the role of this variant in disease. Therefore, it has been classified as a Variant of Uncertain Significance. Experimental studies and prediction algorithms are not available or were not evaluated, and the functional significance of this variant is currently unknown. This variant has not been reported in the literature in individuals with PRKDC-related conditions. This variant is not present in population databases (ExAC no frequency). This sequence change replaces proline with leucine at codon 433 of the PRKDC protein (p.Pro433Leu). The proline residue is highly conserved and there is a moderate physicochemical difference between proline and leucine.

NM_006904.7(PRKDC):c.1298C>T (p.Pro433Leu)

Gene: PRKDC (protein kinase, DNA-activated, catalytic subunit; minus strand). Cytogenetic location: 8q11.21.
Variant type: single nucleotide variant.
Coding change: c.1298C>T on transcript NM_006904.7 (MANE Select); coding-DNA position 1298, C replaced by T.
Protein change: p.Pro433Leu; replaces proline 433 with leucine.
Molecular consequence: missense variant.
Genome position (GRCh38, 1-based): chr8:47,935,881, G>A on the plus strand (C>T on the coding strand, the complement: PRKDC is on the minus strand). VCF-style: chr8-47935881-G-A. GRCh37 (hg19) VCF-style: chr8-48848441-G-A.
Other names: c.1298C>T, p.Pro433Leu (NM_001081640.2); c.1298C>T (NM_006904.6); short protein forms P433L.
Identifiers: ClinVar variation 1009995 (VCV001009995.8), dbSNP rs2090342249, ClinGen allele CA371165981.